The following is an entry in ClinVar:

NM_007086.4(WDHD1):c.270G>A (p.Leu90=)

Gene: WDHD1 (WD repeat and HMG-box DNA binding protein 1; minus strand). Cytogenetic location: 14q22.3.
Variant type: single nucleotide variant.
Coding change: c.270G>A on transcript NM_007086.4 (MANE Select); coding-DNA position 270, G replaced by A.
Protein change: p.Leu90=; no amino-acid change (leucine 90 retained).
Molecular consequence: synonymous variant. On other transcripts: 5 prime UTR variant (1).
Genome position (GRCh38, 1-based): chr14:55,010,380, C>T on the plus strand (G>A on the coding strand, the complement: WDHD1 is on the minus strand). VCF-style: chr14-55010380-C-T. GRCh37 (hg19) VCF-style: chr14-55477098-C-T.
Other names: c.-100G>A (NM_001008396.3).
Identifiers: ClinVar variation 2644250 (VCV002644250.24), dbSNP rs375834361, ClinGen allele CA7194770.

ClinVar aggregate classification (germline): Likely benign (1 of 4 stars; one submission).

Allele frequency attached by ClinVar (database versions not stated): ESP Exome Variant Server 0.00008; gnomAD 0.00009; gnomAD exomes 0.00011; TOPMed 0.00015; ExAC 0.00019.
gnomAD v4.1: 186 of 1,613,562 alleles (0.012%); highest among the groups gnomAD compares: Middle Eastern, 0.15%; no homozygotes.

Submission:

CeGaT Center for Human Genetics Tuebingen
Classification: Likely benign. Last evaluated: 2022-10-01. Review status: criteria provided, single submitter. Criteria: CeGaT Center For Human Genetics Tuebingen Variant Classification Criteria Version 2. Collection method: clinical testing. Allele origin: germline. Affected: yes. Observed: 2 variant alleles.
Comment: WDHD1: BP4, BP7